The following is an entry in ClinVar:

NM_000503.6(EYA1):c.1085_1086insTCCT (p.Met362fs)

Gene: EYA1 (EYA transcriptional coactivator and phosphatase 1; minus strand). Cytogenetic location: 8q13.3.
Variant type: Insertion.
Coding change: c.1085_1086insTCCT on transcript NM_000503.6 (MANE Select); coding-DNA positions 1085 to 1086, TCCT inserted.
Protein change: p.Met362fs; shifts the reading frame from methionine 362.
Molecular consequence: frameshift variant. On other transcripts: intron variant (2).
Genome position: GRCh38 VCF-style: chr8-71244657-C-CAGGA. GRCh37 (hg19) VCF-style: chr8-72156892-C-CAGGA.
Other names: c.1067_1068insTCCT, p.Met356fs (NM_001288574.2); c.719_720insTCCT, p.Met240fs (NM_001288575.2); c.1172_1173insTCCT, p.Met391fs (NM_001370333.1); c.1085_1086insTCCT, p.Met362fs (NM_001370334.1, NM_001370335.1, NM_172058.4); c.986_987insTCCT, p.Met329fs (NM_001411797.1, NM_172060.4); c.1119+25082_1119+25083insTTCC (NM_001370336.1); c.1122+25082_1122+25083insTTCC (NM_172059.5); short protein forms M240fs, M356fs, M329fs, M391fs, M362fs.
Identifiers: ClinVar variation 3638460 (VCV003638460.2).

ClinVar aggregate classification (germline): Pathogenic (1 of 4 stars; one submission).

Conditions:
Melnick-Fraser syndrome (BOR). Also called: Branchiootorenal syndrome; Branchio-oto-renal syndrome; Branchiootorenal Syndrome (BORS). Identifiers: Orphanet 107, MedGen C0265234, MONDO:0007029.

Submission:

Labcorp Genetics (formerly Invitae), Labcorp
Classification: Pathogenic for Melnick-Fraser syndrome. Last evaluated: 2024-02-02. Review status: criteria provided, single submitter. Criteria: Invitae Variant Classification Sherloc (09022015). Collection method: clinical testing. Allele origin: germline.
Comment: This sequence change creates a premature translational stop signal (p.Met362Ilefs*17) in the EYA1 gene. It is expected to result in an absent or disrupted protein product. Loss-of-function variants in EYA1 are known to be pathogenic (PMID: 10464653, 18220287). This variant is not present in population databases (gnomAD no frequency). This variant has not been reported in the literature in individuals affected with EYA1-related conditions. For these reasons, this variant has been classified as Pathogenic.

Literature cited by the submitters: PubMed 10464653; PubMed 18220287.